The following is an entry in ClinVar:

ClinVar aggregate classification (germline): Uncertain significance. Review status: criteria provided, single submitter (1 of 4 stars). 2 submissions from 2 submitters: Uncertain significance (1). 1 of the submissions does not count toward it. Last evaluated 2022-01-13.

Conditions:
Carnitine palmitoyl transferase 1A deficiency. Also called: Carnitine palmitoyltransferase type I deficiency; CPT I DEFICIENCY; CPT DEFICIENCY, HEPATIC, TYPE I; Carnitine palmitoyltransferase 1A deficiency; CPT deficiency, hepatic, type IA. Identifiers: Orphanet 156, MedGen C1829703, MONDO:0009705, OMIM 255120.

Allele frequency attached by ClinVar (database versions not stated): TOPMed below 0.00001; gnomAD 0.00001; gnomAD exomes 0.00001.
gnomAD v4.1: 12 of 1,613,954 alleles (0.00074%); highest among the groups gnomAD compares: Non-Finnish European, 0.001%; no homozygotes.

Submissions (2):

Labcorp Genetics (formerly Invitae), Labcorp
Classification: Uncertain significance for Carnitine palmitoyl transferase 1A deficiency. Last evaluated: 2022-01-13. Review status: criteria provided, single submitter. Criteria: Invitae Variant Classification Sherloc (09022015). Collection method: clinical testing. Allele origin: germline.
Comment: This sequence change replaces serine, which is neutral and polar, with threonine, which is neutral and polar, at codon 98 of the CPT1A protein (p.Ser98Thr). This variant is present in population databases (rs201446439, gnomAD 0.002%). This variant has not been reported in the literature in individuals affected with CPT1A-related conditions. ClinVar contains an entry for this variant (Variation ID: 1037796). Algorithms developed to predict the effect of missense changes on protein structure and function output the following: SIFT: "Tolerated"; PolyPhen-2: "Benign"; Align-GVGD: "Class C0". The threonine amino acid residue is found in multiple mammalian species, which suggests that this missense change does not adversely affect protein function. In summary, the available evidence is currently insufficient to determine the role of this variant in disease. Therefore, it has been classified as a Variant of Uncertain Significance.

Natera, Inc.
Classification: Uncertain significance for Carnitine palmitoyltransferase type I deficiency. Last evaluated: 2020-11-15. Review status: no assertion criteria provided. Collection method: clinical testing. Allele origin: germline. Not counted in ClinVar's aggregate classification.

NM_001876.4(CPT1A):c.292T>A (p.Ser98Thr)

Gene: CPT1A (carnitine palmitoyltransferase 1A; minus strand). Cytogenetic location: 11q13.3.
Variant type: single nucleotide variant.
Coding change: c.292T>A on transcript NM_001876.4 (MANE Select); coding-DNA position 292, T replaced by A.
Protein change: p.Ser98Thr; replaces serine 98 with threonine.
Molecular consequence: missense variant.
Genome position (GRCh38, 1-based): chr11:68,807,628, A>T on the plus strand (T>A on the coding strand, the complement: CPT1A is on the minus strand). VCF-style: chr11-68807628-A-T. GRCh37 (hg19) VCF-style: chr11-68575096-A-T.
Other names: c.292T>A, p.Ser98Thr (NM_001031847.3); short protein forms S98T.
Identifiers: ClinVar variation 1037796 (VCV001037796.6), dbSNP rs201446439, ClinGen allele CA223396467.